The following is an entry in ClinVar:

ClinVar aggregate classification (germline): Uncertain significance (1 of 4 stars; one submission).

Conditions:
Epidermolysis bullosa simplex 5C, with pyloric atresia (EBS5C). Also called: PLEC1-Related Epidermolysis Bullosa with Pyloric Atresia; Epidermolysis bullosa simplex with pyloric atresia; PLEC-Related Epidermolysis Bullosa with Pyloric Atresia. Identifiers: Orphanet 158684, MedGen C2677349, MONDO:0012807, OMIM 612138.
Autosomal recessive limb-girdle muscular dystrophy type 2Q (LGMDR17). Also called: MUSCULAR DYSTROPHY, LIMB-GIRDLE, AUTOSOMAL RECESSIVE 17. Identifiers: Orphanet 254361, MedGen C3150989, MONDO:0013390, OMIM 613723.
Epidermolysis bullosa simplex with nail dystrophy (EBS5D). Identifiers: MedGen C4225309, MONDO:0014661, OMIM 616487.
Epidermolysis bullosa simplex 5B, with muscular dystrophy (EBS5B). Also called: Epidermolysis bullosa simplex with muscular dystrophy; EPIDERMOLYSIS BULLOSA SIMPLEX AND LIMB-GIRDLE MUSCULAR DYSTROPHY. Identifiers: Orphanet 257, MedGen C2931072, MONDO:0009181, OMIM 226670.
Epidermolysis bullosa simplex, Ogna type (EBS5A). Also called: EPIDERMOLYSIS BULLOSA SIMPLEX 5A, OGNA TYPE; Pidermolysis bullosa simplex 5A, Ogna type. Identifiers: Orphanet 79401, MedGen C0432317, MONDO:0007555, OMIM 131950.

Allele frequency attached by ClinVar (database versions not stated): TOPMed below 0.00001.

Submission:

Labcorp Genetics (formerly Invitae), Labcorp
Classification: Uncertain significance for Autosomal recessive limb-girdle muscular dystrophy type 2Q; Epidermolysis bullosa simplex, Ogna type; Epidermolysis bullosa simplex with nail dystrophy; Epidermolysis bullosa simplex 5C, with pyloric atresia; Epidermolysis bullosa simplex 5B, with muscular dystrophy. Last evaluated: 2022-03-18. Review status: criteria provided, single submitter. Criteria: Invitae Variant Classification Sherloc (09022015). Collection method: clinical testing. Allele origin: germline.
Comment: In summary, the available evidence is currently insufficient to determine the role of this variant in disease. Therefore, it has been classified as a Variant of Uncertain Significance. This sequence change replaces aspartic acid, which is acidic and polar, with tyrosine, which is neutral and polar, at codon 2707 of the PLEC protein (p.Asp2707Tyr). Algorithms developed to predict the effect of missense changes on protein structure and function are either unavailable or do not agree on the potential impact of this missense change (SIFT: "Deleterious"; PolyPhen-2: "Possibly Damaging"; Align-GVGD: "Class C0"). ClinVar contains an entry for this variant (Variation ID: 844204). This variant has not been reported in the literature in individuals affected with PLEC-related conditions. This variant is not present in population databases (gnomAD no frequency).

NM_201384.3(PLEC):c.8038G>T (p.Asp2680Tyr)

Gene: PLEC (plectin; minus strand). Cytogenetic location: 8q24.3.
Variant type: single nucleotide variant.
Coding change: c.8038G>T on transcript NM_201384.3 (MANE Select); coding-DNA position 8038, G replaced by T.
Protein change: p.Asp2680Tyr; replaces aspartic acid 2680 with tyrosine.
Molecular consequence: missense variant.
Genome position (GRCh38, 1-based): chr8:143,921,783, C>A on the plus strand (G>T on the coding strand, the complement: PLEC is on the minus strand). VCF-style: chr8-143921783-C-A. GRCh37 (hg19) VCF-style: chr8-144995951-C-A.
Other names: c.8119G>T, p.Asp2707Tyr (NM_000445.5); c.7996G>T, p.Asp2666Tyr (NM_201378.4); c.7972G>T, p.Asp2658Tyr (NM_201379.3); c.8449G>T, p.Asp2817Tyr (NM_201380.4); c.7942G>T, p.Asp2648Tyr (NM_201381.3); c.8038G>T, p.Asp2680Tyr (NM_201382.4); c.8050G>T, p.Asp2684Tyr (NM_201383.3); short protein forms D2817Y, D2658Y, D2666Y, D2680Y, D2648Y, D2684Y, D2707Y.
Identifiers: ClinVar variation 844204 (VCV000844204.7), dbSNP rs1822833977, ClinGen allele CA372520045.